The following is an entry in ClinVar:

ClinVar aggregate classification (germline): Uncertain significance (1 of 4 stars; one submission).

Conditions:
Bardet-Biedl syndrome (BBS). Identifiers: Orphanet 110, MedGen C0752166, MONDO:0015229.

Submission:

Labcorp Genetics (formerly Invitae), Labcorp
Classification: Uncertain significance for Bardet-Biedl syndrome. Last evaluated: 2022-01-12. Review status: criteria provided, single submitter. Criteria: Invitae Variant Classification Sherloc (09022015). Collection method: clinical testing. Allele origin: germline.
Comment: This sequence change replaces valine, which is neutral and non-polar, with isoleucine, which is neutral and non-polar, at codon 301 of the TRIM32 protein (p.Val301Ile). This variant is not present in population databases (gnomAD no frequency). This variant has not been reported in the literature in individuals affected with TRIM32-related conditions. Algorithms developed to predict the effect of missense changes on protein structure and function are either unavailable or do not agree on the potential impact of this missense change (SIFT: "Deleterious"; PolyPhen-2: "Benign"; Align-GVGD: "Class C25"). In summary, the available evidence is currently insufficient to determine the role of this variant in disease. Therefore, it has been classified as a Variant of Uncertain Significance.

NM_012210.4(TRIM32):c.901G>A (p.Val301Ile)

Genes: ASTN2 (astrotactin 2; minus strand), TRIM32 (tripartite motif containing 32; plus strand). Cytogenetic location: 9q33.1.
Variant type: single nucleotide variant.
Coding change: c.901G>A on transcript NM_012210.4 (MANE Select); coding-DNA position 901, G replaced by A.
Protein change: p.Val301Ile; replaces valine 301 with isoleucine.
Molecular consequence: missense variant. On other transcripts: intron variant (3).
Genome position (GRCh38, 1-based): chr9:116,698,643, G>A. VCF-style: chr9-116698643-G-A. GRCh37 (hg19) VCF-style: chr9-119460922-G-A.
Other names: c.901G>A, p.Val301Ile (NM_001379049.1, NM_001379050.1, NM_001099679.2 and 1 more transcripts); c.2653+27128C>T (NM_014010.5); c.2794+27128C>T (NM_001365069.1); c.2806+27128C>T (NM_001365068.1); short protein forms V301I.
Identifiers: ClinVar variation 1466914 (VCV001466914.6), dbSNP rs1490242765, ClinGen allele CA374650272.
Genomic context (GRCh38, chr9:116,698,643, plus strand): 5'-CTTAAGGTAGGTCATGTTGGCCCCCTCCAAATTGGACAAGCTGTTAAGAAGCCCCGGACA[G>A]TTAACGTGGAAGATTCCTGGGCCATGGAGGCCACAGCGTCTGCTGCCTCTACCTCTGTTA-3'
Protein context (NP_036342.2, residues 291-311): IGQAVKKPRT[Val301Ile]NVEDSWAMEA